The following is an entry in ClinVar:

ClinVar aggregate classification (germline): Pathogenic (1 of 4 stars; one submission).

Conditions:
Duchenne muscular dystrophy (DMD). Also called: MUSCULAR DYSTROPHY, PSEUDOHYPERTROPHIC PROGRESSIVE, DUCHENNE TYPE; Duchenne Muscular Dystrophy (DMD). Identifiers: Orphanet 98896, MedGen C0013264, MONDO:0010679, OMIM 310200.

Submission:

Labcorp Genetics (formerly Invitae), Labcorp
Classification: Pathogenic for Duchenne muscular dystrophy. Last evaluated: 2024-09-12. Review status: criteria provided, single submitter. Criteria: Invitae Variant Classification Sherloc (09022015). Collection method: clinical testing. Allele origin: germline.
Comment: This sequence change creates a premature translational stop signal (p.Phe1812Glnfs*2) in the DMD gene. It is expected to result in an absent or disrupted protein product. Loss-of-function variants in DMD are known to be pathogenic (PMID: 16770791, 25007885). This variant is not present in population databases (gnomAD no frequency). This variant has not been reported in the literature in individuals affected with DMD-related conditions. For these reasons, this variant has been classified as Pathogenic.

Literature cited by the submitters: PubMed 16770791; PubMed 25007885.

NM_004006.3(DMD):c.5434_5435del (p.Phe1812fs)

Gene: DMD (dystrophin; minus strand). Cytogenetic location: Xp21.1.
Variant type: Deletion.
Coding change: c.5434_5435del on transcript NM_004006.3 (MANE Select); coding-DNA positions 5434 to 5435, 2 bases deleted (TT; older notation c.5434_5435delTT).
Protein change: p.Phe1812fs; shifts the reading frame from phenylalanine 1812.
Molecular consequence: frameshift variant.
Genome position (GRCh38, 1-based): chrX:32,348,419-32,348,420, AA deleted on the plus strand (TT on the coding strand, the reverse complement: DMD is on the minus strand). VCF-style (leftmost placement, unchanged base first): chrX-32348418-GAA-G. GRCh37 (hg19) VCF-style: chrX-32366535-GAA-G.
Other names: c.5410_5411del, p.Phe1804fs (NM_000109.4); c.5422_5423del, p.Phe1808fs (NM_004009.3); c.5065_5066del, p.Phe1689fs (NM_004010.3); c.1411_1412del, p.Phe471fs (NM_004011.4); c.1402_1403del, p.Phe468fs (NM_004012.4); short protein forms F1812fs, F468fs, F1804fs, F471fs, F1689fs, F1808fs.
Identifiers: ClinVar variation 3653527 (VCV003653527.2).